The following is an entry in ClinVar:

ClinVar aggregate classification (germline): Pathogenic/Likely pathogenic. Review status: criteria provided, multiple submitters, no conflicts (2 of 4 stars). 3 submissions from 3 submitters: Pathogenic (1); Likely pathogenic (1). 1 of the submissions does not count toward it. Last evaluated 2024-02-18.

Conditions:
Wilson disease (WND). Also called: Wilson's disease. Identifiers: Orphanet 905, MedGen C0019202, MONDO:0010200, OMIM 277900. Disease mechanism: loss of function.

Submissions (3):

Labcorp Genetics (formerly Invitae), Labcorp
Classification: Pathogenic for Wilson disease. Last evaluated: 2024-02-18. Review status: criteria provided, single submitter. Criteria: Invitae Variant Classification Sherloc (09022015). Collection method: clinical testing. Allele origin: germline.
Comment: This sequence change affects an acceptor splice site in intron 17 of the ATP7B gene. It is expected to disrupt RNA splicing. Variants that disrupt the donor or acceptor splice site typically lead to a loss of protein function (PMID: 16199547), and loss-of-function variants in ATP7B are known to be pathogenic (PMID: 10441329, 16283883). This variant is not present in population databases (gnomAD no frequency). Disruption of this splice site has been observed in individuals with Wilson disease (PMID: 18034201, 35220961). ClinVar contains an entry for this variant (Variation ID: 549941). Algorithms developed to predict the effect of sequence changes on RNA splicing suggest that this variant may disrupt the consensus splice site. For these reasons, this variant has been classified as Pathogenic.

Fulgent Genetics
Classification: Likely pathogenic for Wilson disease. Last evaluated: 2021-08-27. Review status: criteria provided, single submitter. Criteria: ACMG Guidelines, 2015. Collection method: clinical testing. Allele origin: unknown.

Counsyl
Classification: Likely pathogenic for Wilson disease. Last evaluated: 2017-05-26. Review status: no assertion criteria provided. Collection method: clinical testing. Allele origin: unknown. Not counted in ClinVar's aggregate classification.

Literature cited by the submitters: PubMed 16199547 (cited by Labcorp Genetics (formerly Invitae), Labcorp); PubMed 10441329 (cited by Labcorp Genetics (formerly Invitae), Labcorp); PubMed 16283883 (cited by Labcorp Genetics (formerly Invitae), Labcorp); PubMed 18034201 (cited by Labcorp Genetics (formerly Invitae), Labcorp and Counsyl); PubMed 35220961 (cited by Labcorp Genetics (formerly Invitae), Labcorp).

NM_000053.4(ATP7B):c.3700-1G>A

Gene: ATP7B (ATPase copper transporting beta; minus strand). Cytogenetic location: 13q14.3.
Variant type: single nucleotide variant.
Coding change: c.3700-1G>A on transcript NM_000053.4 (MANE Select); the canonical splice acceptor site of the intron before coding-DNA position 3700, G replaced by A.
Molecular consequence: splice acceptor variant. On other transcripts: intron variant (1).
Genome position (GRCh38, 1-based): chr13:51,937,680, C>T on the plus strand (G>A on the coding strand, the complement: ATP7B is on the minus strand). VCF-style: chr13-51937680-C-T. GRCh37 (hg19) VCF-style: chr13-52511816-C-T.
Other names: c.3214-1G>A (NM_001406541.1, NM_001406542.1); c.3448-1G>A (NM_001406531.1, NM_001406532.1, NM_001330579.2); c.3466-1G>A (NM_001406527.1, NM_001406528.1, NM_001330578.2); c.3361-1G>A (NM_001406537.1); c.3556-1G>A (NM_001406521.1, NM_001406522.1, NM_001406520.1); c.3694-1G>A (NM_001406513.1); c.3700-1G>A (NM_001406511.1, NM_001406512.1); c.3208-1G>A (NM_001406543.1); and 21 more.
Identifiers: ClinVar variation 549941 (VCV000549941.13), dbSNP rs1555284021, ClinGen allele CA388022674.